The following is an entry in ClinVar:

NM_031935.3(HMCN1):c.5410C>T (p.Arg1804Trp)

Gene: HMCN1 (hemicentin 1; plus strand). Cytogenetic location: 1q31.1.
Variant type: single nucleotide variant.
Coding change: c.5410C>T on transcript NM_031935.3 (MANE Select); coding-DNA position 5410, C replaced by T.
Protein change: p.Arg1804Trp; replaces arginine 1804 with tryptophan.
Molecular consequence: missense variant.
Genome position (GRCh38, 1-based): chr1:186,018,292, C>T. VCF-style: chr1-186018292-C-T. GRCh37 (hg19) VCF-style: chr1-185987424-C-T.
Other names: c.5410C>T (NM_031935.2); short protein forms R1804W.
Identifiers: ClinVar variation 1390425 (VCV001390425.7), dbSNP rs771121234, ClinGen allele CA1292255.

ClinVar aggregate classification (germline): Uncertain significance. Review status: criteria provided, multiple submitters, no conflicts (2 of 4 stars). 2 submissions from 2 submitters: Uncertain significance (2). Last evaluated 2024-01-18.

Allele frequency attached by ClinVar (database versions not stated): ExAC 0.00001.
gnomAD v4.1: 37 of 1,612,708 alleles (0.0023%); highest among the groups gnomAD compares: Non-Finnish European, 0.0029%; no homozygotes.

Submissions (2):

Labcorp Genetics (formerly Invitae), Labcorp
Classification: Uncertain significance. Last evaluated: 2024-01-18. Review status: criteria provided, single submitter. Criteria: Invitae Variant Classification Sherloc (09022015). Collection method: clinical testing. Allele origin: germline.
Comment: This sequence change replaces arginine, which is basic and polar, with tryptophan, which is neutral and slightly polar, at codon 1804 of the HMCN1 protein (p.Arg1804Trp). This variant is present in population databases (rs771121234, gnomAD 0.007%). This variant has not been reported in the literature in individuals affected with HMCN1-related conditions. ClinVar contains an entry for this variant (Variation ID: 1390425). Algorithms developed to predict the effect of missense changes on protein structure and function output the following: SIFT: "Not Available"; PolyPhen-2: "Possibly Damaging"; Align-GVGD: "Not Available". The tryptophan amino acid residue is found in multiple mammalian species, which suggests that this missense change does not adversely affect protein function. In summary, the available evidence is currently insufficient to determine the role of this variant in disease. Therefore, it has been classified as a Variant of Uncertain Significance.

Ambry Genetics
Classification: Uncertain significance. Last evaluated: 2023-12-12. Review status: criteria provided, single submitter. Criteria: Ambry Variant Classification Scheme 2023. Collection method: clinical testing. Allele origin: germline.